The following is an entry in ClinVar:

ClinVar aggregate classification (germline): Uncertain significance (1 of 4 stars; one submission).

gnomAD v4.1: 4 of 1,611,098 alleles (0.00025%); highest among the groups gnomAD compares: Non-Finnish European, 0.00034%; no homozygotes.

Submission:

GeneDx
Classification: Uncertain significance. Last evaluated: 2024-10-08. Review status: criteria provided, single submitter. Criteria: GeneDx Variant Classification Process June 2021. Collection method: clinical testing. Allele origin: germline. Affected: yes.
Comment: Has not been previously published as pathogenic or benign to our knowledge; Not observed at significant frequency in large population cohorts (gnomAD); In silico analysis supports that this missense variant has a deleterious effect on protein structure/function

NM_001032283.3(TMPO):c.556A>G (p.Asn186Asp)

Gene: TMPO (thymopoietin; plus strand). Cytogenetic location: 12q23.1.
Variant type: single nucleotide variant.
Coding change: c.556A>G on transcript NM_001032283.3 (MANE Select); coding-DNA position 556, A replaced by G.
Protein change: p.Asn186Asp; replaces asparagine 186 with aspartic acid.
Molecular consequence: missense variant.
Genome position (GRCh38, 1-based): chr12:98,531,829, A>G. VCF-style: chr12-98531829-A-G. GRCh37 (hg19) VCF-style: chr12-98925607-A-G.
Other names: c.556A>G, p.Asn186Asp (NM_001032284.3, NM_001307975.2, NM_003276.2); short protein forms N186D.
Identifiers: ClinVar variation 3777503 (VCV003777503.1).
Genomic context (GRCh38, chr12:98,531,829, plus strand): 5'-TCTTCTTCAGCAGAAAATACAAGGCAGAATGGAAGTAATGATTCTGACAGATACAGTGAC[A>G]ATGAAGAAGGTAAAATTTTAAATGATGTTAATCAAATGTATGGAATTTTTTCACACTCAA-3'
Protein context (NP_001027454.1, residues 176-196): GSNDSDRYSD[Asn186Asp]EEDSKIELKL